The following is an entry in ClinVar:

ClinVar aggregate classification (germline): Uncertain significance (1 of 4 stars; one submission).

Conditions:
Early-infantile DEE. Also called: Ohtahara syndrome; Early infantile epileptic encephalopathy with suppression bursts; Early infantile epileptic encephalopathy. Identifiers: Orphanet 1934, MedGen C0393706, MONDO:0800491.

Submission:

Labcorp Genetics (formerly Invitae), Labcorp
Classification: Uncertain significance for Early-infantile DEE. Last evaluated: 2019-04-02. Review status: criteria provided, single submitter. Criteria: Invitae Variant Classification Sherloc (09022015). Collection method: clinical testing. Allele origin: germline.
Comment: This variant has not been reported in the literature in individuals with SCN1A-related conditions. This variant is not present in population databases (ExAC no frequency). This sequence change replaces valine with leucine at codon 1447 of the SCN1A protein (p.Val1447Leu). The valine residue is highly conserved and there is a small physicochemical difference between valine and leucine. In summary, the available evidence is currently insufficient to determine the role of this variant in disease. Therefore, it has been classified as a Variant of Uncertain Significance. Algorithms developed to predict the effect of sequence changes on RNA splicing suggest that this variant may disrupt the consensus splice site, but this prediction has not been confirmed by published transcriptional studies. Algorithms developed to predict the effect of missense changes on protein structure and function (SIFT, PolyPhen-2, Align-GVGD) all suggest that this variant is likely to be tolerated, but these predictions have not been confirmed by published functional studies and their clinical significance is uncertain.

NM_001165963.4(SCN1A):c.4339G>T (p.Val1447Leu)

Genes: SCN1A (sodium voltage-gated channel alpha subunit 1; minus strand), LOC102724058 (uncharacterized LOC102724058; plus strand). Cytogenetic location: 2q24.3.
Variant type: single nucleotide variant.
Coding change: c.4339G>T on transcript NM_001165963.4 (MANE Select); coding-DNA position 4339, G replaced by T.
Protein change: p.Val1447Leu; replaces valine 1447 with leucine.
Molecular consequence: missense variant. On other transcripts: non-coding transcript variant (1).
Genome position (GRCh38, 1-based): chr2:165,998,175, C>A on the plus strand (G>T on the coding strand, the complement: SCN1A is on the minus strand). VCF-style: chr2-165998175-C-A. GRCh37 (hg19) VCF-style: chr2-166854685-C-A.
Other names: c.4255G>T, p.Val1419Leu (NM_001165964.3, NM_001353957.2, NM_001353958.2); c.4339G>T, p.Val1447Leu (NM_001202435.3, NM_001353948.2); c.4306G>T, p.Val1436Leu (NM_001353949.2, NM_001353950.2, NM_001353951.2 and 2 more transcripts); c.4303G>T, p.Val1435Leu (NM_001353954.2, NM_001353955.2); c.4252G>T, p.Val1418Leu (NM_001353960.2); c.1897G>T, p.Val633Leu (NM_001353961.2); short protein forms V1419L, V1435L, V1436L, V633L, V1418L, V1447L.
Identifiers: ClinVar variation 853637 (VCV000853637.10), dbSNP rs1559119642, ClinGen allele CA349049512.